The following is an entry in ClinVar:

NM_000088.4(COL1A1):c.1283_1284insGGTCCAGAGGCCCCTCTGGACCCCAGGGCCCCGGCGGCCCTCCTGG (p.Pro429fs)

Gene: COL1A1 (collagen type I alpha 1 chain; minus strand). Cytogenetic location: 17q21.33.
Variant type: Insertion.
Coding change: c.1283_1284insGGTCCAGAGGCCCCTCTGGACCCCAGGGCCCCGGCGGCCCTCCTGG on transcript NM_000088.4 (MANE Select); coding-DNA positions 1283 to 1284, GGTCCAGAGGCCCCTCTGGACCCCAGGGCCCCGGCGGCCCTCCTGG inserted.
Protein change: p.Pro429fs; shifts the reading frame from proline 429.
Molecular consequence: frameshift variant.
Genome position: GRCh38: chr17:50,195,287-50,195,288. GRCh37 (hg19): chr17:48,272,648-48,272,649.
Other names: short protein forms P429fs.
Identifiers: ClinVar variation 4712591 (VCV004712591.1).

ClinVar aggregate classification (germline): Pathogenic (1 of 4 stars; one submission).

Conditions:
Osteogenesis imperfecta type I (OI1). Also called: OI, TYPE I; OSTEOGENESIS IMPERFECTA TARDA; OSTEOGENESIS IMPERFECTA WITH BLUE SCLERAE; Osteogenesis imperfecta type 1; Classic Non-deforming Osteogenesis Imperfecta with Blue Sclerae; Lobstein's Disease. Identifiers: Orphanet 216796, Orphanet 666, MedGen C0023931, MONDO:0008146, OMIM 166200. Disease mechanism: loss of function.

Submission:

Labcorp Genetics (formerly Invitae), Labcorp
Classification: Pathogenic for Osteogenesis imperfecta type I. Last evaluated: 2025-07-06. Review status: criteria provided, single submitter. Criteria: Invitae Variant Classification Sherloc (09022015). Collection method: clinical testing. Allele origin: germline.
Comment: This sequence change creates a premature translational stop signal (p.Pro429Valfs*19) in the COL1A1 gene. It is expected to result in an absent or disrupted protein product. Loss-of-function variants in COL1A1 are known to be pathogenic (PMID: 7942841, 9295084, 9443882). This variant is not present in population databases (gnomAD no frequency). This variant has not been reported in the literature in individuals affected with COL1A1-related conditions. For these reasons, this variant has been classified as Pathogenic.

Literature cited by the submitters: PubMed 7942841; PubMed 9295084; PubMed 9443882.